The following is an entry in ClinVar:

ClinVar aggregate classification (germline): Uncertain significance (1 of 4 stars; one submission).

Submission:

Labcorp Genetics (formerly Invitae), Labcorp
Classification: Uncertain significance. Last evaluated: 2024-02-23. Review status: criteria provided, single submitter. Criteria: Invitae Variant Classification Sherloc (09022015). Collection method: clinical testing. Allele origin: germline.
Comment: This sequence change replaces serine, which is neutral and polar, with proline, which is neutral and non-polar, at codon 41 of the KCNQ5 protein (p.Ser41Pro). This variant is not present in population databases (gnomAD no frequency). This variant has not been reported in the literature in individuals affected with KCNQ5-related conditions. Advanced modeling of protein sequence and biophysical properties (such as structural, functional, and spatial information, amino acid conservation, physicochemical variation, residue mobility, and thermodynamic stability) performed at Invitae indicates that this missense variant is not expected to disrupt KCNQ5 protein function with a negative predictive value of 95%. In summary, the available evidence is currently insufficient to determine the role of this variant in disease. Therefore, it has been classified as a Variant of Uncertain Significance.

NM_019842.4(KCNQ5):c.121T>C (p.Ser41Pro)

Genes: KCNQ5 (potassium voltage-gated channel subfamily Q member 5; plus strand), KCNQ5-DT (KCNQ5 divergent transcript; minus strand), LOC129996711 (ATAC-STARR-seq lymphoblastoid silent region 17329; plus strand). Cytogenetic location: 6q13.
Variant type: single nucleotide variant.
Coding change: c.121T>C on transcript NM_019842.4 (MANE Select); coding-DNA position 121, T replaced by C.
Protein change: p.Ser41Pro; replaces serine 41 with proline.
Molecular consequence: missense variant.
Genome position (GRCh38, 1-based): chr6:72,622,310, T>C. VCF-style: chr6-72622310-T-C. GRCh37 (hg19) VCF-style: chr6-73332038-T-C.
Other names: c.121T>C, p.Ser41Pro (NM_001160130.2, NM_001160132.2, NM_001160133.2 and 1 more transcripts); short protein forms S41P.
Identifiers: ClinVar variation 3635311 (VCV003635311.2).